The following is an entry in ClinVar:

ClinVar aggregate classification (germline): Uncertain significance (1 of 4 stars; one submission).

Conditions:
Neuromuscular disease caused by qualitative or quantitative defects of dysferlin. Also called: Dysferlinopathy; Qualitative or quantitative defects of dysferlin. Identifiers: Orphanet 207073, MedGen C2931687, MONDO:0016145.

Submission:

Labcorp Genetics (formerly Invitae), Labcorp
Classification: Uncertain significance for Neuromuscular disease caused by qualitative or quantitative defects of dysferlin. Last evaluated: 2023-08-17. Review status: criteria provided, single submitter. Criteria: Invitae Variant Classification Sherloc (09022015). Collection method: clinical testing. Allele origin: germline.
Comment: This sequence change replaces histidine, which is basic and polar, with proline, which is neutral and non-polar, at codon 314 of the DYSF protein (p.His314Pro). This variant is not present in population databases (gnomAD no frequency). This variant has not been reported in the literature in individuals affected with DYSF-related conditions. ClinVar contains an entry for this variant (Variation ID: 1009955). Advanced modeling of protein sequence and biophysical properties (such as structural, functional, and spatial information, amino acid conservation, physicochemical variation, residue mobility, and thermodynamic stability) performed at Invitae indicates that this missense variant is expected to disrupt DYSF protein function. In summary, the available evidence is currently insufficient to determine the role of this variant in disease. Therefore, it has been classified as a Variant of Uncertain Significance.

NM_001130987.2(DYSF):c.1037A>C (p.His346Pro)

Gene: DYSF (dysferlin; plus strand). Cytogenetic location: 2p13.2.
Variant type: single nucleotide variant.
Coding change: c.1037A>C on transcript NM_001130987.2 (MANE Select); coding-DNA position 1037, A replaced by C.
Protein change: p.His346Pro; replaces histidine 346 with proline.
Molecular consequence: missense variant.
Genome position (GRCh38, 1-based): chr2:71,520,792, A>C. VCF-style: chr2-71520792-A-C. GRCh37 (hg19) VCF-style: chr2-71747922-A-C.
Other names: c.944A>C, p.His315Pro (NM_001130455.2, NM_001130983.2, NM_001130984.2 and 1 more transcripts); c.941A>C, p.His314Pro (NM_001130976.2, NM_001130977.2, NM_001130978.2 and 1 more transcripts); c.1034A>C, p.His345Pro (NM_001130979.2, NM_001130980.2, NM_001130981.2); c.1037A>C, p.His346Pro (NM_001130982.2, NM_001130985.2); short protein forms H314P, H315P, H345P, H346P.
Identifiers: ClinVar variation 1009955 (VCV001009955.10), dbSNP rs2087179153, ClinGen allele CA347211851.